The following is an entry in ClinVar:

NM_017802.4(DNAAF5):c.1406A>G (p.Gln469Arg)

Gene: DNAAF5 (dynein axonemal assembly factor 5; plus strand). Cytogenetic location: 7p22.3.
Variant type: single nucleotide variant.
Coding change: c.1406A>G on transcript NM_017802.4 (MANE Select); coding-DNA position 1406, A replaced by G.
Protein change: p.Gln469Arg; replaces glutamine 469 with arginine.
Molecular consequence: missense variant. On other transcripts: non-coding transcript variant (1).
Genome position (GRCh38, 1-based): chr7:756,930, A>G. VCF-style: chr7-756930-A-G. GRCh37 (hg19) VCF-style: chr7-796567-A-G.
Other names: short protein forms Q469R.
Identifiers: ClinVar variation 2186919 (VCV002186919.3), dbSNP rs750610445, ClinGen allele CA4110717.

ClinVar aggregate classification (germline): Uncertain significance (1 of 4 stars; one submission).

Conditions:
Primary ciliary dyskinesia. Also called: Ciliary dyskinesia. Identifiers: Orphanet 244, MedGen C0008780, MONDO:0016575, HP:0012265.

Allele frequency attached by ClinVar (database versions not stated): TOPMed below 0.00001; gnomAD exomes 0.00002; ExAC 0.00003; gnomAD 0.00004.

Submission:

Labcorp Genetics (formerly Invitae), Labcorp
Classification: Uncertain significance for Primary ciliary dyskinesia. Last evaluated: 2024-11-18. Review status: criteria provided, single submitter. Criteria: Invitae Variant Classification Sherloc (09022015). Collection method: clinical testing. Allele origin: germline.
Comment: This sequence change replaces glutamine, which is neutral and polar, with arginine, which is basic and polar, at codon 469 of the DNAAF5 protein (p.Gln469Arg). This variant is present in population databases (rs750610445, gnomAD 0.01%). This variant has not been reported in the literature in individuals affected with DNAAF5-related conditions. ClinVar contains an entry for this variant (Variation ID: 2186919). Invitae Evidence Modeling of protein sequence and biophysical properties (such as structural, functional, and spatial information, amino acid conservation, physicochemical variation, residue mobility, and thermodynamic stability) indicates that this missense variant is not expected to disrupt DNAAF5 protein function with a negative predictive value of 80%. In summary, the available evidence is currently insufficient to determine the role of this variant in disease. Therefore, it has been classified as a Variant of Uncertain Significance.